The following is an entry in ClinVar:

ClinVar aggregate classification (germline): Likely pathogenic. Review status: criteria provided, single submitter (1 of 4 stars). 2 submissions from 2 submitters: Likely pathogenic (1). 1 of the submissions does not count toward it. Last evaluated 2024-11-04.

Conditions:
Bifunctional peroxisomal enzyme deficiency (DBIF). Also called: DBP DEFICIENCY; PBFE DEFICIENCY; D-bifunctional protein deficiency. Identifiers: Orphanet 300, MedGen C0342870, MONDO:0009855, OMIM 261515. Disease mechanism: loss of function.

gnomAD v4.1: 5 of 1,613,632 alleles (0.00031%); highest among the groups gnomAD compares: East Asian, 0.011%; no homozygotes.

Submissions (2):

Women's Health and Genetics/Laboratory Corporation of America, LabCorp
Classification: Likely pathogenic for Bifunctional peroxisomal enzyme deficiency. Last evaluated: 2024-11-04. Review status: criteria provided, single submitter. Criteria: LabCorp Variant Classification Summary - May 2015. Collection method: clinical testing. Allele origin: germline.
Comment: Variant summary: HSD17B4 c.523G>A (p.Ala175Thr) results in a non-conservative amino acid change located in the NAD(P)-binding Rossmann-fold domains (IPR036291) of the encoded protein sequence. Three of five in-silico tools predict a benign effect of the variant on protein function. The variant was absent in 251078 control chromosomes (gnomAD). c.523G>A has been reported in the literature in individuals affected with clinical features of D-Bifunctional Protein Deficiency (Matsukawa_2017, Matsuda_2020). These data indicate that the variant is likely to be associated with disease. To our knowledge, no experimental evidence demonstrating an impact on protein function has been reported. The following publications have been ascertained in the context of this evaluation (PMID: 32042923, 28017249). ClinVar contains an entry for this variant (Variation ID: 555994). Based on the evidence outlined above, the variant was classified as likely pathogenic.

Counsyl
Classification: Uncertain significance for Bifunctional peroxisomal enzyme deficiency. Last evaluated: 2018-01-05. Review status: no assertion criteria provided. Collection method: clinical testing. Allele origin: unknown. Not counted in ClinVar's aggregate classification.

Literature cited by the submitters: PubMed 28017249 (cited by Women's Health and Genetics/Laboratory Corporation of America, LabCorp and Counsyl); PubMed 32042923 (cited by Women's Health and Genetics/Laboratory Corporation of America, LabCorp).

NM_000414.4(HSD17B4):c.523G>A (p.Ala175Thr)

Gene: HSD17B4 (hydroxysteroid 17-beta dehydrogenase 4; plus strand). Cytogenetic location: 5q23.1.
Variant type: single nucleotide variant.
Coding change: c.523G>A on transcript NM_000414.4 (MANE Select); coding-DNA position 523, G replaced by A.
Protein change: p.Ala175Thr; replaces alanine 175 with threonine.
Molecular consequence: missense variant.
Genome position (GRCh38, 1-based): chr5:119,478,922, G>A. VCF-style: chr5-119478922-G-A. GRCh37 (hg19) VCF-style: chr5-118814617-G-A.
Other names: c.598G>A, p.Ala200Thr (NM_001199291.3); c.469G>A, p.Ala157Thr (NM_001199292.2); c.451G>A, p.Ala151Thr (NM_001292027.2); c.103G>A, p.Ala35Thr (NM_001292028.2); short protein forms A175T, A35T, A157T, A151T, A200T.
Identifiers: ClinVar variation 555994 (VCV000555994.3), dbSNP rs1554062814, ClinGen allele CA360866247.